The following is an entry in ClinVar:

ClinVar aggregate classification (germline): Conflicting classifications of pathogenicity. Review status: criteria provided, conflicting classifications (1 of 4 stars). 5 submissions from 5 submitters: Uncertain significance (4); Likely benign (1). Last evaluated 2025-06-22.

Conditions:
Duchenne muscular dystrophy (DMD). Also called: MUSCULAR DYSTROPHY, PSEUDOHYPERTROPHIC PROGRESSIVE, DUCHENNE TYPE; Duchenne Muscular Dystrophy (DMD). Identifiers: Orphanet 98896, MedGen C0013264, MONDO:0010679, OMIM 310200.
Dilated cardiomyopathy 3B (CMD3B). Also called: CMD3B: DMD-Related Dilated Cardiomyopathy; CARDIOMYOPATHY, DILATED, X-LINKED; DMD-Associated Dilated Cardiomyopathy. Identifiers: Orphanet 154, MedGen C3668940, MONDO:0010542, OMIM 302045.
Becker muscular dystrophy (BMD). Also called: MUSCULAR DYSTROPHY, PSEUDOHYPERTROPHIC PROGRESSIVE, BECKER TYPE; Becker Muscular Dystrophy (BMD). Identifiers: Orphanet 98895, MedGen C0917713, MONDO:0010311, OMIM 300376.
Cardiovascular phenotype. Identifiers: MedGen CN230736.

Allele frequency attached by ClinVar (database versions not stated): gnomAD exomes 0.00001; ExAC 0.00002; gnomAD 0.00002; TOPMed 0.00002; ESP Exome Variant Server 0.00009.
gnomAD v4.1: 16 of 1,207,947 alleles (0.0013%); highest among the groups gnomAD compares: African/African-American, 0.0035%; no homozygotes.

Submissions (5):

Labcorp Genetics (formerly Invitae), Labcorp
Classification: Likely benign for Duchenne muscular dystrophy. Last evaluated: 2025-06-22. Review status: criteria provided, single submitter. Criteria: Invitae Variant Classification Sherloc (09022015). Collection method: clinical testing. Allele origin: germline.

Blueprint Genetics
Classification: Uncertain significance. Last evaluated: 2022-08-08. Review status: criteria provided, single submitter. Criteria: ACMG Guidelines, 2015. Collection method: clinical testing. Allele origin: germline.

Fulgent Genetics
Classification: Uncertain significance for Becker muscular dystrophy; Dilated cardiomyopathy 3B; Duchenne muscular dystrophy. Last evaluated: 2021-10-21. Review status: criteria provided, single submitter. Criteria: ACMG Guidelines, 2015. Collection method: clinical testing. Allele origin: unknown.

CeGaT Center for Human Genetics Tuebingen
Classification: Uncertain significance. Last evaluated: 2021-06-01. Review status: criteria provided, single submitter. Criteria: CeGaT Center For Human Genetics Tuebingen Variant Classification Criteria Version 2. Collection method: clinical testing. Allele origin: germline. Affected: yes. Observed: 1 variant allele.

Ambry Genetics
Classification: Uncertain significance for Cardiovascular phenotype. Last evaluated: 2019-10-08. Review status: criteria provided, single submitter. Criteria: Ambry Variant Classification Scheme 2023. Collection method: clinical testing. Allele origin: germline.
Comment: The p.R1955C variant (also known as c.5863C>T), located in coding exon 41 of the DMD gene, results from a C to T substitution at nucleotide position 5863. The arginine at codon 1955 is replaced by cysteine, an amino acid with highly dissimilar properties. This amino acid position is highly conserved in available vertebrate species. In addition, the in silico prediction for this alteration is inconclusive. Since supporting evidence is limited at this time, the clinical significance of this alteration remains unclear.

NM_004006.3(DMD):c.5863C>T (p.Arg1955Cys)

Gene: DMD (dystrophin; minus strand). Cytogenetic location: Xp21.1.
Variant type: single nucleotide variant.
Coding change: c.5863C>T on transcript NM_004006.3 (MANE Select); coding-DNA position 5863, C replaced by T.
Protein change: p.Arg1955Cys; replaces arginine 1955 with cysteine.
Molecular consequence: missense variant.
Genome position (GRCh38, 1-based): chrX:32,342,159, G>A on the plus strand (C>T on the coding strand, the complement: DMD is on the minus strand). VCF-style: chrX-32342159-G-A. GRCh37 (hg19) VCF-style: chrX-32360276-G-A.
Other names: c.5839C>T, p.Arg1947Cys (NM_000109.4); c.5851C>T, p.Arg1951Cys (NM_004009.3); c.5494C>T, p.Arg1832Cys (NM_004010.3); c.1840C>T, p.Arg614Cys (NM_004011.4); c.1831C>T, p.Arg611Cys (NM_004012.4); short protein forms R1832C, R1947C, R1951C, R1955C, R611C, R614C.
Identifiers: ClinVar variation 1176295 (VCV001176295.44), dbSNP rs377039314, ClinGen allele CA10378586.